The following is an entry in ClinVar:

ClinVar aggregate classification (germline): Uncertain significance (1 of 4 stars; one submission).

Conditions:
Hyperekplexia 1 (STHE). Also called: KOK DISEASE; STARTLE DISEASE, FAMILIAL; STIFF-BABY SYNDROME; STIFF-MAN SYNDROME, CONGENITAL; STIFF-PERSON SYNDROME, CONGENITAL; HYPEREKPLEXIA 1, AUTOSOMAL DOMINANT. Identifiers: Orphanet 3197, MedGen C4551954, MONDO:0007868, OMIM 149400.

Submission:

Juno Genomics, Hangzhou Juno Genomics, Inc
Classification: Uncertain significance for Hyperekplexia 1. Review status: criteria provided, single submitter. Criteria: ACMG Guidelines, 2015. Collection method: clinical testing. Allele origin: germline.
Comment: Absent from controls (or at extremely low frequency if recessive) in Genome Aggregation Database.;Multiple lines of computational evidence support a deleterious effect on the gene or gene product.

NM_000171.4(GLRA1):c.295C>A (p.Pro99Thr)

Gene: GLRA1 (glycine receptor alpha 1; minus strand). Cytogenetic location: 5q33.1.
Variant type: single nucleotide variant.
Coding change: c.295C>A on transcript NM_000171.4 (MANE Select); coding-DNA position 295, C replaced by A.
Protein change: p.Pro99Thr; replaces proline 99 with threonine.
Molecular consequence: missense variant.
Genome position (GRCh38, 1-based): chr5:151,859,966, G>T on the plus strand (C>A on the coding strand, the complement: GLRA1 is on the minus strand). VCF-style: chr5-151859966-G-T. GRCh37 (hg19) VCF-style: chr5-151239527-G-T.
Other names: c.295C>A, p.Pro99Thr (NM_001146040.2); c.46C>A, p.Pro16Thr (NM_001292000.2); short protein forms P16T, P99T.
Identifiers: ClinVar variation 5006860 (VCV005006860.2).